The following is an entry in ClinVar:

ClinVar aggregate classification (germline): Uncertain significance (1 of 4 stars; one submission).

Conditions:
Neuropathy, hereditary sensory, type 2C. Also called: Hereditary sensory and autonomic neuropathy type IIC; KIF1A-Related HSAN2 (HSAN2C). Identifiers: Orphanet 970, MedGen C3280168, MONDO:0013634, OMIM 614213.
Intellectual disability, autosomal dominant 9 (NESCAVS). Also called: KIF1A-Related Neurodevelopmental Disorder; NESCAV SYNDROME. Identifiers: Orphanet 662367, MedGen C5393830, MONDO:0013656, OMIM 614255.
Hereditary spastic paraplegia 30. Identifiers: Orphanet 101010, MedGen C5235139, MONDO:0012476.

gnomAD v4.1: 6 of 1,610,868 alleles (0.00037%); highest among the groups gnomAD compares: Non-Finnish European, 0.00051%; no homozygotes.

Submission:

Labcorp Genetics (formerly Invitae), Labcorp
Classification: Uncertain significance for Hereditary spastic paraplegia 30; Neuropathy, hereditary sensory, type 2C; Intellectual disability, autosomal dominant 9. Last evaluated: 2025-11-16. Review status: criteria provided, single submitter. Criteria: Invitae Variant Classification Sherloc (09022015). Collection method: clinical testing. Allele origin: germline.
Comment: This sequence change replaces serine, which is neutral and polar, with arginine, which is basic and polar, at codon 545 of the KIF1A protein (p.Ser545Arg). This variant is not present in population databases (gnomAD no frequency). This variant has not been reported in the literature in individuals affected with KIF1A-related conditions. ClinVar contains an entry for this variant (Variation ID: 962249). Invitae Evidence Modeling of protein sequence and biophysical properties (such as structural, functional, and spatial information, amino acid conservation, physicochemical variation, residue mobility, and thermodynamic stability) indicates that this missense variant is expected to disrupt KIF1A protein function with a positive predictive value of 95%. In summary, the available evidence is currently insufficient to determine the role of this variant in disease. Therefore, it has been classified as a Variant of Uncertain Significance.

NM_001244008.2(KIF1A):c.1662C>A (p.Ser554Arg)

Gene: KIF1A (kinesin family member 1A; minus strand). Cytogenetic location: 2q37.3.
Variant type: single nucleotide variant.
Coding change: c.1662C>A on transcript NM_001244008.2 (MANE Select); coding-DNA position 1662, C replaced by A.
Protein change: p.Ser554Arg; replaces serine 554 with arginine.
Molecular consequence: missense variant.
Genome position (GRCh38, 1-based): chr2:240,766,937, G>T on the plus strand (C>A on the coding strand, the complement: KIF1A is on the minus strand). VCF-style: chr2-240766937-G-T. GRCh37 (hg19) VCF-style: chr2-241706354-G-T.
Other names: c.1662C>A, p.Ser554Arg (NM_001320705.2, NM_001330289.2, NM_001379638.1); c.1737C>A, p.Ser579Arg (NM_001330290.2, NM_001379631.1, NM_001379634.1 and 2 more transcripts); c.1635C>A, p.Ser545Arg (NM_001379632.1, NM_001379633.1, NM_001379636.1 and 10 more transcripts); c.1710C>A, p.Ser570Arg (NM_001379637.1, NM_001379648.1); short protein forms S579R, S545R, S554R, S570R.
Identifiers: ClinVar variation 962249 (VCV000962249.10), dbSNP rs2051283497, ClinGen allele CA351328030.